The following is an entry in ClinVar:

NM_001080466.2(BTBD17):c.418A>C (p.Arg140=)

Gene: BTBD17 (BTB domain containing 17; minus strand). Cytogenetic location: 17q25.1.
Variant type: single nucleotide variant.
Coding change: c.418A>C on transcript NM_001080466.2 (MANE Select); coding-DNA position 418, A replaced by C.
Protein change: p.Arg140=; no amino-acid change (arginine 140 retained).
Molecular consequence: synonymous variant.
Genome position (GRCh38, 1-based): chr17:74,357,676, T>G on the plus strand (A>C on the coding strand, the complement: BTBD17 is on the minus strand). VCF-style: chr17-74357676-T-G. GRCh37 (hg19) VCF-style: chr17-72353815-T-G.
Identifiers: ClinVar variation 4084264 (VCV004084264.8).

ClinVar aggregate classification (germline): Likely benign (1 of 4 stars; one submission).

Submission:

CeGaT Center for Human Genetics Tuebingen
Classification: Likely benign. Last evaluated: 2026-08-01. Review status: criteria provided, single submitter. Criteria: CeGaT Center For Human Genetics Tuebingen Variant Classification Criteria Version 2. Collection method: clinical testing. Allele origin: germline. Affected: yes. Observed: 3 variant alleles.
Comment: BTBD17: PM2:Supporting, BP4, BP7